The following is an entry in ClinVar:

ClinVar aggregate classification (germline): Likely benign (1 of 4 stars; one submission).

Conditions:
Disorders of Intracellular Cobalamin Metabolism. Identifiers: MedGen CN043592.

Allele frequency attached by ClinVar (database versions not stated): gnomAD 0.00290 and 0.00308; 1000 Genomes Project 30x 0.00328; TOPMed 0.00332; 1000 Genomes Project 0.00359.

Submissions (2):

Illumina Laboratory Services, Illumina
Classification: Likely benign for Disorders of Intracellular Cobalamin Metabolism. Last evaluated: 2018-01-12. Review status: criteria provided, single submitter. Criteria: ICSL Variant Classification Criteria 13 December 2019. Collection method: clinical testing. Allele origin: germline.
Comment: This variant was observed in the ICSL laboratory as part of a predisposition screen in an ostensibly healthy population. It had not been previously curated by ICSL or reported in the Human Gene Mutation Database (HGMD: prior to June 1st, 2018), and was therefore a candidate for classification through an automated scoring system. Utilizing variant allele frequency, disease prevalence and penetrance estimates, and inheritance mode, an automated score was calculated to assess if this variant is too frequent to cause the disease. Based on the score and internal cut-off values, a variant classified as likely benign is not then subjected to further curation. The score for this variant resulted in a classification of likely benign for this disease.

Dr. Peter K. Rogan Lab, Western University
No classification provided (evidence only). Condition: Acute myeloid leukemia. Review status: no classification provided. Collection method: in vitro. Allele origin: not applicable. Functional consequence: retained intron. Not counted in ClinVar's aggregate classification.

NM_000254.3(MTR):c.*1744A>G

Gene: MTR (5-methyltetrahydrofolate-homocysteine methyltransferase; plus strand). Cytogenetic location: 1q43.
Variant type: single nucleotide variant.
Coding change: c.*1744A>G on transcript NM_000254.3 (MANE Select); 1744 bases downstream of the stop codon, A replaced by G.
Molecular consequence: 3 prime UTR variant.
Genome position (GRCh38, 1-based): chr1:236,899,388, A>G. VCF-style: chr1-236899388-A-G. GRCh37 (hg19) VCF-style: chr1-237062688-A-G.
Other names: NC_000001.10:g.237062688A>G; c.*1744A>G (NM_001291939.1, NM_001291940.2).
Identifiers: ClinVar variation 296620 (VCV000296620.6), dbSNP rs114324996, ClinGen allele CA10609511.